The following is an entry in ClinVar:

ClinVar aggregate classification (germline): Uncertain significance (1 of 4 stars; one submission).

Conditions:
Cardiovascular phenotype. Identifiers: MedGen CN230736.

gnomAD v4.1: 4 of 1,614,024 alleles (0.00025%); highest among the groups gnomAD compares: Non-Finnish European, 0.00034%; no homozygotes.

Submission:

Ambry Genetics
Classification: Uncertain significance for Cardiovascular phenotype. Last evaluated: 2024-04-23. Review status: criteria provided, single submitter. Criteria: Ambry Variant Classification Scheme 2023. Collection method: clinical testing. Allele origin: germline.
Comment: The p.E2347G variant (also known as c.7040A>G), located in coding exon 31 of the AKAP9 gene, results from an A to G substitution at nucleotide position 7040. The glutamic acid at codon 2347 is replaced by glycine, an amino acid with similar properties. This amino acid position is conserved. In addition, this alteration is predicted to be tolerated by in silico analysis. Based on the available evidence, the clinical significance of this variant remains unclear.

NM_005751.5(AKAP9):c.7040A>G (p.Glu2347Gly)

Gene: AKAP9 (A-kinase anchoring protein 9; plus strand). Cytogenetic location: 7q21.2.
Variant type: single nucleotide variant.
Coding change: c.7040A>G on transcript NM_005751.5 (MANE Select); coding-DNA position 7040, A replaced by G.
Protein change: p.Glu2347Gly; replaces glutamic acid 2347 with glycine.
Molecular consequence: missense variant.
Genome position (GRCh38, 1-based): chr7:92,079,173, A>G. VCF-style: chr7-92079173-A-G. GRCh37 (hg19) VCF-style: chr7-91708487-A-G.
Other names: c.1685A>G, p.Glu562Gly (NM_001379277.1); c.7016A>G, p.Glu2339Gly (NM_147185.3); short protein forms E2347G, E562G, E2339G.
Identifiers: ClinVar variation 3281918 (VCV003281918.1).
Genomic context (GRCh38, chr7:92,079,173, plus strand): 5'-TTGAAACCCAAATAGAATGTTTGATGAGTGATCAAGAATGTGTGAAGAGAAATAGAGAAG[A>G]AGAAATAGAGCAGCTCAATGAAGTGATTGAAAAACTTCAACAGGAATTGGCAAATATTGG-3'
Protein context (NP_005742.4, residues 2337-2357): DQECVKRNRE[Glu2347Gly]EIEQLNEVIE